The following is an entry in ClinVar:

NM_001370466.1(NOD2):c.1124C>T (p.Ser375Phe)

Gene: NOD2 (nucleotide binding oligomerization domain containing 2; plus strand). Cytogenetic location: 16q12.1.
Variant type: single nucleotide variant.
Coding change: c.1124C>T on transcript NM_001370466.1 (MANE Select); coding-DNA position 1124, C replaced by T.
Protein change: p.Ser375Phe; replaces serine 375 with phenylalanine.
Molecular consequence: missense variant. On other transcripts: non-coding transcript variant (1).
Genome position (GRCh38, 1-based): chr16:50,711,116, C>T. VCF-style: chr16-50711116-C-T. GRCh37 (hg19) VCF-style: chr16-50745027-C-T.
Other names: c.1124C>T, p.Ser375Phe (NM_001293557.2); c.1205C>T, p.Ser402Phe (NM_022162.3); short protein forms S375F, S402F.
Identifiers: ClinVar variation 956780 (VCV000956780.10), dbSNP rs753241960, ClinGen allele CA8051493.
Genomic context (GRCh38, chr16:50,711,116, plus strand): 5'-ACGAGTTCAAGTTCAGGTTCACGGATCGTGAACGCCACTGCTCCCCGACCGACCCCACCT[C>T]TGTCCAGACCCTGCTCTTCAACCTTCTGCAGGGCAACCTGCTGAAGAATGCCCGCAAGGT-3'
Protein context (NP_001357395.1, residues 365-385): ERHCSPTDPT[Ser375Phe]VQTLLFNLLQ

ClinVar aggregate classification (germline): Uncertain significance (1 of 4 stars; one submission).

Conditions:
Blau syndrome (BLAUS). Also called: GRANULOMATOUS INFLAMMATORY ARTHRITIS, DERMATITIS, AND UVEITIS, FAMILIAL; JABS SYNDROME; ARTHROCUTANEOUVEAL GRANULOMATOSIS; GRANULOMATOSIS, FAMILIAL JUVENILE SYSTEMIC; GRANULOMATOSIS, FAMILIAL, BLAU TYPE. Identifiers: Orphanet 90340, MedGen C5201146, MONDO:0008523, OMIM 186580.
Regional enteritis. Also called: Enteritis, Granulomatous. Identifiers: MedGen C0678202, MeSH D003424.

Allele frequency attached by ClinVar (database versions not stated): ExAC 0.00001; gnomAD exomes 0.00001; gnomAD 0.00002; TOPMed 0.00002.
gnomAD v4.1: 18 of 1,614,110 alleles (0.0011%); highest among the groups gnomAD compares: Non-Finnish European, 0.0015%; no homozygotes.

Submission:

Labcorp Genetics (formerly Invitae), Labcorp
Classification: Uncertain significance for Regional enteritis; Blau syndrome. Last evaluated: 2025-11-11. Review status: criteria provided, single submitter. Criteria: Invitae Variant Classification Sherloc (09022015). Collection method: clinical testing. Allele origin: germline.
Comment: This sequence change replaces serine, which is neutral and polar, with phenylalanine, which is neutral and non-polar, at codon 402 of the NOD2 protein (p.Ser402Phe). This variant is present in population databases (rs753241960, gnomAD 0.003%). This variant has not been reported in the literature in individuals affected with NOD2-related conditions. ClinVar contains an entry for this variant (Variation ID: 956780). Invitae Evidence Modeling of protein sequence and biophysical properties (such as structural, functional, and spatial information, amino acid conservation, physicochemical variation, residue mobility, and thermodynamic stability) has been performed for this missense variant. However, the output from this modeling did not meet the statistical confidence thresholds required to predict the impact of this variant on NOD2 protein function. In summary, the available evidence is currently insufficient to determine the role of this variant in disease. Therefore, it has been classified as a Variant of Uncertain Significance.